The following is an entry in ClinVar:

ClinVar aggregate classification (germline): Uncertain significance (1 of 4 stars; one submission).

Conditions:
Multiple congenital anomalies-hypotonia-seizures syndrome 1 (MCAHS1). Also called: PIGN-CDG; Congenital disorder of glycosylation due to PIGN deficiency; GLYCOSYLPHOSPHATIDYLINOSITOL BIOSYNTHESIS DEFECT 3. Identifiers: Orphanet 280633, MedGen C3279775, MONDO:0013563, OMIM 614080.

Allele frequency attached by ClinVar (database versions not stated): gnomAD exomes below 0.00001; gnomAD 0.00001.
gnomAD v4.1: 4 of 1,517,118 alleles (0.00026%); highest among the groups gnomAD compares: Non-Finnish European, 0.00036%; no homozygotes.

Submission:

Labcorp Genetics (formerly Invitae), Labcorp
Classification: Uncertain significance for Multiple congenital anomalies-hypotonia-seizures syndrome 1. Last evaluated: 2023-08-30. Review status: criteria provided, single submitter. Criteria: Invitae Variant Classification Sherloc (09022015). Collection method: clinical testing. Allele origin: germline.
Comment: In summary, the available evidence is currently insufficient to determine the role of this variant in disease. Therefore, it has been classified as a Variant of Uncertain Significance. This sequence change falls in intron 27 of the PIGN gene. It does not directly change the encoded amino acid sequence of the PIGN protein. It affects a nucleotide within the consensus splice site. This variant is not present in population databases (gnomAD no frequency). This variant has not been reported in the literature in individuals affected with PIGN-related conditions. ClinVar contains an entry for this variant (Variation ID: 2086833). Variants that disrupt the consensus splice site are a relatively common cause of aberrant splicing (PMID: 17576681, 9536098). Algorithms developed to predict the effect of sequence changes on RNA splicing suggest that this variant may disrupt the consensus splice site.

Literature cited by the submitters: PubMed 17576681; PubMed 9536098.

NM_176787.5(PIGN):c.2502+5G>T

Gene: PIGN (phosphatidylinositol glycan anchor biosynthesis class N; minus strand). Cytogenetic location: 18q21.33.
Variant type: single nucleotide variant.
Coding change: c.2502+5G>T on transcript NM_176787.5 (MANE Select); 5 bases into the intron after coding-DNA position 2502, G replaced by T.
Molecular consequence: intron variant.
Genome position (GRCh38, 1-based): chr18:62,084,526, C>A on the plus strand (G>T on the coding strand, the complement: PIGN is on the minus strand). VCF-style: chr18-62084526-C-A. GRCh37 (hg19) VCF-style: chr18-59751759-C-A.
Other names: c.2502+5G>T (NM_012327.6).
Identifiers: ClinVar variation 2086833 (VCV002086833.4), dbSNP rs372897702, ClinGen allele CA781252414.